The following is an entry in ClinVar:

ClinVar aggregate classification (germline): Conflicting classifications of pathogenicity. Review status: criteria provided, conflicting classifications (1 of 4 stars). 2 submissions from 2 submitters: Uncertain significance (1); Likely benign (1). Last evaluated 2024-09-04.

Conditions:
Nance-Horan syndrome (NHS). Identifiers: Orphanet 627, MedGen C0796085, MONDO:0010545, OMIM 302350.

Allele frequency attached by ClinVar (database versions not stated): gnomAD exomes below 0.00001.
gnomAD v4.1: 3 of 1,211,685 alleles (0.00025%); highest among the groups gnomAD compares: Non-Finnish European, 0.00034%; no homozygotes.

Submissions (2):

GeneDx
Classification: Uncertain significance. Last evaluated: 2024-09-04. Review status: criteria provided, single submitter. Criteria: GeneDx Variant Classification Process June 2021. Collection method: clinical testing. Allele origin: germline. Affected: yes.
Comment: Not observed at significant frequency in large population cohorts (gnomAD); In silico analysis supports that this missense variant has a deleterious effect on protein structure/function; Has not been previously published as pathogenic or benign to our knowledge

Labcorp Genetics (formerly Invitae), Labcorp
Classification: Likely benign for Nance-Horan syndrome. Last evaluated: 2023-07-17. Review status: criteria provided, single submitter. Criteria: Invitae Variant Classification Sherloc (09022015). Collection method: clinical testing. Allele origin: germline.

NM_001291867.2(NHS):c.1928C>T (p.Ser643Leu)

Gene: NHS (NHS actin remodeling regulator; plus strand). Cytogenetic location: Xp22.13.
Variant type: single nucleotide variant.
Coding change: c.1928C>T on transcript NM_001291867.2 (MANE Select); coding-DNA position 1928, C replaced by T.
Protein change: p.Ser643Leu; replaces serine 643 with leucine.
Molecular consequence: missense variant.
Genome position (GRCh38, 1-based): chrX:17,726,034, C>T. VCF-style: chrX-17726034-C-T. GRCh37 (hg19) VCF-style: chrX-17744154-C-T.
Other names: c.1865C>T (NM_198270.2); c.1397C>T, p.Ser466Leu (NM_001136024.4); c.1334C>T, p.Ser445Leu (NM_001291868.2); c.1865C>T, p.Ser622Leu (NM_198270.4); short protein forms S445L, S466L, S622L, S643L.
Identifiers: ClinVar variation 2111955 (VCV002111955.5), dbSNP rs2519935536, ClinGen allele CA412355443.